The following is an entry in ClinVar:

ClinVar aggregate classification (germline): Benign. Review status: criteria provided, multiple submitters, no conflicts (2 of 4 stars). 2 submissions from 2 submitters: Benign (2). Last evaluated 2018-01-13.

Conditions:
Cataract 18 (CATC2). Also called: CATARACT 18, AUTOSOMAL RECESSIVE. Identifiers: Orphanet 91492, Orphanet 98991, Orphanet 98992, Orphanet 98995, MedGen C1864908, MONDO:0012395, OMIM 610019.

Allele frequency attached by ClinVar (database versions not stated): gnomAD 0.37618 and 0.38430; 1000 Genomes Project 0.39956; TOPMed 0.40316; 1000 Genomes Project 30x 0.40756.

Submissions (2):

Illumina Laboratory Services, Illumina
Classification: Benign for Cataract 18. Last evaluated: 2018-01-13. Review status: criteria provided, single submitter. Criteria: ICSL Variant Classification Criteria 13 December 2019. Collection method: clinical testing. Allele origin: germline.
Comment: This variant was observed in the ICSL laboratory as part of a predisposition screen in an ostensibly healthy population. It had not been previously curated by ICSL or reported in the Human Gene Mutation Database (HGMD: prior to June 1st, 2018), and was therefore a candidate for classification through an automated scoring system. Utilizing variant allele frequency, disease prevalence and penetrance estimates, and inheritance mode, an automated score was calculated to assess if this variant is too frequent to cause the disease. Based on the score and internal cut-off values, a variant classified as benign is not then subjected to further curation. The score for this variant resulted in a classification of benign for this disease.

Breakthrough Genomics
Classification: Benign. Review status: criteria provided, single submitter. Criteria: ACMG Guidelines, 2015. Collection method: not provided. Allele origin: germline. Inheritance: Autosomal recessive inheritance. Affected: yes.

NM_024513.4(FYCO1):c.*2406G>A

Gene: FYCO1 (FYVE and coiled-coil domain autophagy adaptor 1; minus strand). Cytogenetic location: 3p21.31.
Variant type: single nucleotide variant.
Coding change: c.*2406G>A on transcript NM_024513.4 (MANE Select); 2406 bases downstream of the stop codon, G replaced by A.
Molecular consequence: 3 prime UTR variant.
Genome position (GRCh38, 1-based): chr3:45,919,359, C>T on the plus strand (G>A on the coding strand, the complement: FYCO1 is on the minus strand). VCF-style: chr3-45919359-C-T. GRCh37 (hg19) VCF-style: chr3-45960851-C-T.
Identifiers: ClinVar variation 345459 (VCV000345459.6), dbSNP rs3796373, ClinGen allele CA10616625.